The following is an entry in ClinVar:

ClinVar aggregate classification (germline): Uncertain significance (1 of 4 stars; one submission).

Submission:

Labcorp Genetics (formerly Invitae), Labcorp
Classification: Uncertain significance. Last evaluated: 2023-08-29. Review status: criteria provided, single submitter. Criteria: Invitae Variant Classification Sherloc (09022015). Collection method: clinical testing. Allele origin: germline.
Comment: In summary, the available evidence is currently insufficient to determine the role of this variant in disease. Therefore, it has been classified as a Variant of Uncertain Significance. Algorithms developed to predict the effect of missense changes on protein structure and function output the following: SIFT: "Not Available"; PolyPhen-2: "Benign"; Align-GVGD: "Not Available". The aspartic acid amino acid residue is found in multiple mammalian species, which suggests that this missense change does not adversely affect protein function. This variant has not been reported in the literature in individuals affected with ADCY10-related conditions. This variant is not present in population databases (gnomAD no frequency). This sequence change replaces histidine, which is basic and polar, with aspartic acid, which is acidic and polar, at codon 28 of the ADCY10 protein (p.His28Asp).

NM_018417.6(ADCY10):c.82C>G (p.His28Asp)

Genes: ADCY10 (adenylate cyclase 10; minus strand), DCAF6 (DDB1 and CUL4 associated factor 6; plus strand). Cytogenetic location: 1q24.2.
Variant type: single nucleotide variant.
Coding change: c.82C>G on transcript NM_018417.6 (MANE Select); coding-DNA position 82, C replaced by G.
Protein change: p.His28Asp; replaces histidine 28 with aspartic acid.
Molecular consequence: missense variant. On other transcripts: 5 prime UTR variant (1), intron variant (1).
Genome position (GRCh38, 1-based): chr1:167,905,059, G>C on the plus strand (C>G on the coding strand, the complement: ADCY10 is on the minus strand). VCF-style: chr1-167905059-G-C. GRCh37 (hg19) VCF-style: chr1-167874297-G-C.
Other names: c.-232C>G (NM_001297772.2); c.-62-3005C>G (NM_001167749.3); short protein forms H28D.
Identifiers: ClinVar variation 2756222 (VCV002756222.3), dbSNP rs2526252276, ClinGen allele CA343080220.